The following is an entry in ClinVar:

NM_021098.3(CACNA1H):c.2465C>G (p.Thr822Ser)

Gene: CACNA1H (calcium voltage-gated channel subunit alpha1 H; plus strand). Cytogenetic location: 16p13.3.
Variant type: single nucleotide variant.
Coding change: c.2465C>G on transcript NM_021098.3 (MANE Select); coding-DNA position 2465, C replaced by G.
Protein change: p.Thr822Ser; replaces threonine 822 with serine.
Molecular consequence: missense variant.
Genome position (GRCh38, 1-based): chr16:1,205,127, C>G. VCF-style: chr16-1205127-C-G. GRCh37 (hg19) VCF-style: chr16-1255127-C-G.
Other names: c.2465C>G, p.Thr822Ser (NM_001005407.2); c.2465C>G (NM_021098.2); short protein forms T822S.
Identifiers: ClinVar variation 807340 (VCV000807340.47), dbSNP rs369356684, ClinGen allele CA7800300.

ClinVar aggregate classification (germline): Uncertain significance. Review status: criteria provided, multiple submitters, no conflicts (2 of 4 stars). 4 submissions from 4 submitters: Uncertain significance (4). Last evaluated 2024-09-19.

Conditions:
Idiopathic generalized epilepsy. Also called: EIG; Generalised epilepsy. Identifiers: MedGen C0270850, MONDO:0005579, OMIM 600669.
Hyperaldosteronism, familial, type IV (HALD4). Also called: FH IV; ALDOSTERONISM, PRIMARY, AND HYPERTENSION. Identifiers: Orphanet 642671, MedGen C4310756, MONDO:0014875, OMIM 617027.
Epilepsy, childhood absence, susceptibility to, 6. Identifiers: Orphanet 64280, MedGen C2749872, MONDO:0012763, OMIM 611942.
Inborn genetic diseases. Identifiers: MedGen C0950123, MeSH D030342.

Allele frequency attached by ClinVar (database versions not stated): TOPMed 0.00003; ESP Exome Variant Server 0.00008.

Submissions (4):

Labcorp Genetics (formerly Invitae), Labcorp
Classification: Uncertain significance for Idiopathic generalized epilepsy; Hyperaldosteronism, familial, type IV. Last evaluated: 2024-09-19. Review status: criteria provided, single submitter. Criteria: Invitae Variant Classification Sherloc (09022015). Collection method: clinical testing. Allele origin: germline.
Comment: This sequence change replaces threonine, which is neutral and polar, with serine, which is neutral and polar, at codon 822 of the CACNA1H protein (p.Thr822Ser). This variant is present in population databases (rs369356684, gnomAD 0.006%). This variant has not been reported in the literature in individuals affected with CACNA1H-related conditions. ClinVar contains an entry for this variant (Variation ID: 807340). Invitae Evidence Modeling of protein sequence and biophysical properties (such as structural, functional, and spatial information, amino acid conservation, physicochemical variation, residue mobility, and thermodynamic stability) indicates that this missense variant is expected to disrupt CACNA1H protein function with a positive predictive value of 80%. In summary, the available evidence is currently insufficient to determine the role of this variant in disease. Therefore, it has been classified as a Variant of Uncertain Significance.

Ambry Genetics
Classification: Uncertain significance for Inborn genetic diseases. Last evaluated: 2023-09-22. Review status: criteria provided, single submitter. Criteria: Ambry Variant Classification Scheme 2023. Collection method: clinical testing. Allele origin: germline.

Fulgent Genetics
Classification: Uncertain significance for Epilepsy, childhood absence, susceptibility to, 6; Hyperaldosteronism, familial, type IV. Last evaluated: 2022-01-10. Review status: criteria provided, single submitter. Criteria: ACMG Guidelines, 2015. Collection method: clinical testing. Allele origin: unknown.

CeGaT Center for Human Genetics Tuebingen
Classification: Uncertain significance. Last evaluated: 2016-06-01. Review status: criteria provided, single submitter. Criteria: CeGaT Center For Human Genetics Tuebingen Variant Classification Criteria Version 2. Collection method: clinical testing. Allele origin: germline. Affected: yes. Observed: 1 variant allele.